The following is an entry in ClinVar:

NM_000052.7(ATP7A):c.1894G>A (p.Val632Ile)

Gene: ATP7A (ATPase copper transporting alpha; plus strand). Cytogenetic location: Xq21.1.
Variant type: single nucleotide variant.
Coding change: c.1894G>A on transcript NM_000052.7 (MANE Select); coding-DNA position 1894, G replaced by A.
Protein change: p.Val632Ile; replaces valine 632 with isoleucine.
Molecular consequence: missense variant.
Genome position (GRCh38, 1-based): chrX:78,011,200, G>A. VCF-style: chrX-78011200-G-A. GRCh37 (hg19) VCF-style: chrX-77266697-G-A.
Other names: c.1894G>A, p.Val632Ile (NM_001282224.2); short protein forms V632I.
Identifiers: ClinVar variation 2944918 (VCV002944918.3), dbSNP rs2522348043, ClinGen allele CA413597944.

ClinVar aggregate classification (germline): Uncertain significance (1 of 4 stars; one submission).

Conditions:
Menkes kinky-hair syndrome (MNK). Also called: Copper transport disease; Menkes Disease; Classic Menkes Disease. Identifiers: Orphanet 565, MedGen C0022716, MONDO:0010651, OMIM 309400.
Cutis laxa, X-linked (OHS). Also called: EDS IX; Occipital horn syndrome. Identifiers: Orphanet 198, MedGen C0268353, MONDO:0010572, OMIM 304150.
X-linked distal spinal muscular atrophy type 3. Also called: ATP7A-Related Distal Motor Neuropathy; SPINAL MUSCULAR ATROPHY, DISTAL, X-LINKED RECESSIVE; NEURONOPATHY, DISTAL HEREDITARY MOTOR, X-LINKED; NEUROPATHY, DISTAL HEREDITARY MOTOR, X-LINKED. Identifiers: Orphanet 139557, MedGen C1845359, MONDO:0010338, OMIM 300489.

Submission:

Labcorp Genetics (formerly Invitae), Labcorp
Classification: Uncertain significance for X-linked distal spinal muscular atrophy type 3; Cutis laxa, X-linked; Menkes kinky-hair syndrome. Last evaluated: 2023-03-03. Review status: criteria provided, single submitter. Criteria: Invitae Variant Classification Sherloc (09022015). Collection method: clinical testing. Allele origin: germline.
Comment: This variant is not present in population databases (gnomAD no frequency). In summary, the available evidence is currently insufficient to determine the role of this variant in disease. Therefore, it has been classified as a Variant of Uncertain Significance. Advanced modeling of protein sequence and biophysical properties (such as structural, functional, and spatial information, amino acid conservation, physicochemical variation, residue mobility, and thermodynamic stability) performed at Invitae indicates that this missense variant is not expected to disrupt ATP7A protein function. This variant has not been reported in the literature in individuals affected with ATP7A-related conditions. This sequence change replaces valine, which is neutral and non-polar, with isoleucine, which is neutral and non-polar, at codon 632 of the ATP7A protein (p.Val632Ile).